The following is an entry in ClinVar:

ClinVar aggregate classification (germline): Uncertain significance (1 of 4 stars; one submission).

Allele frequency attached by ClinVar (database versions not stated): gnomAD exomes below 0.00001.
gnomAD v4.1: 2 of 1,612,970 alleles (0.00012%); highest among the groups gnomAD compares: Non-Finnish European, 0.000085%; no homozygotes.

Submission:

Labcorp Genetics (formerly Invitae), Labcorp
Classification: Uncertain significance. Last evaluated: 2022-03-23. Review status: criteria provided, single submitter. Criteria: Invitae Variant Classification Sherloc (09022015). Collection method: clinical testing. Allele origin: germline.
Comment: In summary, the available evidence is currently insufficient to determine the role of this variant in disease. Therefore, it has been classified as a Variant of Uncertain Significance. This sequence change replaces glutamic acid, which is acidic and polar, with glycine, which is neutral and non-polar, at codon 435 of the PLK4 protein (p.Glu435Gly). This variant is not present in population databases (gnomAD no frequency). This variant has not been reported in the literature in individuals affected with PLK4-related conditions. Algorithms developed to predict the effect of missense changes on protein structure and function are either unavailable or do not agree on the potential impact of this missense change (SIFT: "Deleterious"; PolyPhen-2: "Benign"; Align-GVGD: "Class C0").

NM_014264.5(PLK4):c.1304A>G (p.Glu435Gly)

Gene: PLK4 (polo like kinase 4; plus strand). Cytogenetic location: 4q28.1.
Variant type: single nucleotide variant.
Coding change: c.1304A>G on transcript NM_014264.5 (MANE Select); coding-DNA position 1304, A replaced by G.
Protein change: p.Glu435Gly; replaces glutamic acid 435 with glycine.
Molecular consequence: missense variant.
Genome position (GRCh38, 1-based): chr4:127,886,674, A>G. VCF-style: chr4-127886674-A-G. GRCh37 (hg19) VCF-style: chr4-128807829-A-G.
Other names: c.1208A>G, p.Glu403Gly (NM_001190799.2); c.1181A>G, p.Glu394Gly (NM_001190801.2); short protein forms E435G, E403G, E394G.
Identifiers: ClinVar variation 1963830 (VCV001963830.5), dbSNP rs2546014031, ClinGen allele CA358154202.